The following is an entry in ClinVar:

NM_015656.2(KIF26A):c.728C>T (p.Ala243Val)

Gene: KIF26A (kinesin family member 26A; plus strand). Cytogenetic location: 14q32.33.
Variant type: single nucleotide variant.
Coding change: c.728C>T on transcript NM_015656.2 (MANE Select); coding-DNA position 728, C replaced by T.
Protein change: p.Ala243Val; replaces alanine 243 with valine.
Molecular consequence: missense variant.
Genome position (GRCh38, 1-based): chr14:104,152,454, C>T. VCF-style: chr14-104152454-C-T. GRCh37 (hg19) VCF-style: chr14-104618791-C-T.
Other names: short protein forms A243V.
Identifiers: ClinVar variation 3288558 (VCV003288558.2).
Genomic context (GRCh38, chr14:104,152,454, plus strand): 5'-CCCAGCAGTGCCTGGAGGGCATGTGGAGTGTCTCGCGGGTCAACAGCTTCCTCCCGCCGG[C>T]GTGCCTGGTGAGTGTCTTGCTCAGCGGATGGGAGCTGCTGGCCTCCTTGTCAGAACTGGG-3'
Protein context (NP_056471.1, residues 233-253): VSRVNSFLPP[Ala243Val]CLAEAAVAAV

ClinVar aggregate classification (germline): Uncertain significance. Review status: criteria provided, multiple submitters, no conflicts (2 of 4 stars). 2 submissions from 2 submitters: Uncertain significance (2). Last evaluated 2024-10-28.

gnomAD v4.1: 215 of 1,570,642 alleles (0.014%); highest among the groups gnomAD compares: South Asian, 0.068%; 1 homozygote.

Submissions (2):

GeneDx
Classification: Uncertain significance. Last evaluated: 2024-10-28. Review status: criteria provided, single submitter. Criteria: GeneDx Variant Classification Process June 2021. Collection method: clinical testing. Allele origin: germline. Affected: yes.
Comment: In silico analysis indicates that this missense variant does not alter protein structure/function; Has not been previously published as pathogenic or benign to our knowledge

Ambry Genetics
Classification: Uncertain significance. Last evaluated: 2024-04-01. Review status: criteria provided, single submitter. Criteria: Ambry Variant Classification Scheme 2023. Collection method: clinical testing. Allele origin: germline.